The following is an entry in ClinVar:

ClinVar aggregate classification (germline): Uncertain significance (1 of 4 stars; one submission).

Allele frequency attached by ClinVar (database versions not stated): TOPMed below 0.00001; ExAC 0.00001; gnomAD 0.00001.
gnomAD v4.1: 1 of 1,612,716 alleles (0.000062%); highest among the groups gnomAD compares: Non-Finnish European, 0.000085%; no homozygotes.

Submission:

Labcorp Genetics (formerly Invitae), Labcorp
Classification: Uncertain significance. Last evaluated: 2022-07-17. Review status: criteria provided, single submitter. Criteria: Invitae Variant Classification Sherloc (09022015). Collection method: clinical testing. Allele origin: germline.
Comment: Algorithms developed to predict the effect of missense changes on protein structure and function output the following: SIFT: "Tolerated"; PolyPhen-2: "Benign"; Align-GVGD: "Class C0". The leucine amino acid residue is found in multiple mammalian species, which suggests that this missense change does not adversely affect protein function. This sequence change replaces methionine, which is neutral and non-polar, with leucine, which is neutral and non-polar, at codon 4 of the KLC2 protein (p.Met4Leu). This variant is present in population databases (rs746725901, gnomAD no frequency). This variant has not been reported in the literature in individuals affected with KLC2-related conditions. In summary, the available evidence is currently insufficient to determine the role of this variant in disease. Therefore, it has been classified as a Variant of Uncertain Significance.

NM_001318734.2(KLC2):c.10A>T (p.Met4Leu)

Gene: KLC2 (kinesin light chain 2; plus strand). Cytogenetic location: 11q13.2.
Variant type: single nucleotide variant.
Coding change: c.10A>T on transcript NM_001318734.2 (MANE Select); coding-DNA position 10, A replaced by T.
Protein change: p.Met4Leu; replaces methionine 4 with leucine.
Molecular consequence: missense variant.
Genome position (GRCh38, 1-based): chr11:66,258,604, A>T. VCF-style: chr11-66258604-A-T. GRCh37 (hg19) VCF-style: chr11-66026075-A-T.
Other names: c.10A>T, p.Met4Leu (NM_001134774.2, NM_001134775.2, NM_001134776.2 and 1 more transcripts); short protein forms M4L.
Identifiers: ClinVar variation 1970480 (VCV001970480.5), dbSNP rs746725901, ClinGen allele CA6116979.